The following is an entry in ClinVar:

ClinVar aggregate classification (germline): Uncertain significance. Review status: criteria provided, multiple submitters, no conflicts (2 of 4 stars). 2 submissions from 2 submitters: Uncertain significance (2). Last evaluated 2025-06-20.

Conditions:
Inborn genetic diseases. Identifiers: MedGen C0950123, MeSH D030342.

gnomAD v4.1: 12 of 1,561,282 alleles (0.00077%); highest among the groups gnomAD compares: Non-Finnish European, 0.001%; 1 homozygote.

Submissions (2):

Mayo Clinic Laboratories, Mayo Clinic
Classification: Uncertain significance. Last evaluated: 2025-06-20. Review status: criteria provided, single submitter. Criteria: ACMG Guidelines, 2015. Collection method: clinical testing. Allele origin: germline. Observed: 1 variant allele.
Comment: PM2_supporting

Ambry Genetics
Classification: Uncertain significance for Inborn genetic diseases. Last evaluated: 2024-12-06. Review status: criteria provided, single submitter. Criteria: Ambry Variant Classification Scheme 2023. Collection method: clinical testing. Allele origin: germline.

NM_001953.5(TYMP):c.1069G>A (p.Ala357Thr)

Genes: SCO2 (synthesis of cytochrome C oxidase 2; minus strand), TYMP (thymidine phosphorylase; minus strand), LOC130067862 (ATAC-STARR-seq lymphoblastoid silent region 13986; plus strand). Cytogenetic location: 22q13.33.
Variant type: single nucleotide variant.
Coding change: c.1069G>A on transcript NM_001953.5 (MANE Select); coding-DNA position 1069, G replaced by A.
Protein change: p.Ala357Thr; replaces alanine 357 with threonine.
Molecular consequence: missense variant. On other transcripts: 5 prime UTR variant (1).
Genome position (GRCh38, 1-based): chr22:50,526,336, C>T on the plus strand (G>A on the coding strand, the complement: TYMP is on the minus strand). VCF-style: chr22-50526336-C-T. GRCh37 (hg19) VCF-style: chr22-50964765-C-T.
Other names: p.Ala357Thr; c.1069G>A, p.Ala357Thr (NM_001113755.3, NM_001113756.3, NM_001257988.1 and 1 more transcripts); c.-104G>A (NM_001169109.2); short protein forms A357T.
Identifiers: ClinVar variation 3464794 (VCV003464794.1).